The following is an entry in ClinVar:

NM_206933.4(USH2A):c.10516A>C (p.Thr3506Pro)

Gene: USH2A (usherin; minus strand). Cytogenetic location: 1q41.
Variant type: single nucleotide variant.
Coding change: c.10516A>C on transcript NM_206933.4 (MANE Select); coding-DNA position 10516, A replaced by C.
Protein change: p.Thr3506Pro; replaces threonine 3506 with proline.
Molecular consequence: missense variant.
Genome position (GRCh38, 1-based): chr1:215,782,807, T>G on the plus strand (A>C on the coding strand, the complement: USH2A is on the minus strand). VCF-style: chr1-215782807-T-G. GRCh37 (hg19) VCF-style: chr1-215956149-T-G.
Other names: short protein forms T3506P.
Identifiers: ClinVar variation 1979932 (VCV001979932.3), dbSNP rs1571682283, ClinGen allele CA344837653.

ClinVar aggregate classification (germline): Uncertain significance (1 of 4 stars; one submission).

Submission:

Labcorp Genetics (formerly Invitae), Labcorp
Classification: Uncertain significance. Last evaluated: 2023-11-27. Review status: criteria provided, single submitter. Criteria: Invitae Variant Classification Sherloc (09022015). Collection method: clinical testing. Allele origin: germline.
Comment: This sequence change replaces threonine, which is neutral and polar, with proline, which is neutral and non-polar, at codon 3506 of the USH2A protein (p.Thr3506Pro). This variant is not present in population databases (gnomAD no frequency). This variant has not been reported in the literature in individuals affected with USH2A-related conditions. ClinVar contains an entry for this variant (Variation ID: 1979932). Advanced modeling of protein sequence and biophysical properties (such as structural, functional, and spatial information, amino acid conservation, physicochemical variation, residue mobility, and thermodynamic stability) performed at Invitae indicates that this missense variant is not expected to disrupt USH2A protein function with a negative predictive value of 95%. In summary, the available evidence is currently insufficient to determine the role of this variant in disease. Therefore, it has been classified as a Variant of Uncertain Significance.